The following is an entry in ClinVar:

ClinVar aggregate classification (germline): Uncertain significance. Review status: criteria provided, multiple submitters, no conflicts (2 of 4 stars). 3 submissions from 3 submitters: Uncertain significance (3). Last evaluated 2025-03-02.

Conditions:
Fanconi anemia (FA). Also called: Fanconi's anemia. Identifiers: Orphanet 84, MedGen C0015625, MeSH D005199, MONDO:0019391.
Inborn genetic diseases. Identifiers: MedGen C0950123, MeSH D030342.

Allele frequency attached by ClinVar (database versions not stated): gnomAD exomes below 0.00001; ExAC 0.00002; ESP Exome Variant Server 0.00008.
gnomAD v4.1: 11 of 1,611,812 alleles (0.00068%); highest among the groups gnomAD compares: Non-Finnish European, 0.00085%; no homozygotes.

Submissions (3):

Ambry Genetics
Classification: Uncertain significance for Inborn genetic diseases. Last evaluated: 2025-03-02. Review status: criteria provided, single submitter. Criteria: Ambry Variant Classification Scheme 2023. Collection method: clinical testing. Allele origin: germline.
Comment: The p.K819N variant (also known as c.2457G>T), located in coding exon 14 of the FANCM gene, results from a G to T substitution at nucleotide position 2457. The lysine at codon 819 is replaced by asparagine, an amino acid with similar properties. This amino acid position is conserved. In addition, this alteration is predicted to be tolerated by in silico analysis. Based on the available evidence, the clinical significance of this variant remains unclear.

Quest Diagnostics Nichols Institute San Juan Capistrano
Classification: Uncertain significance. Last evaluated: 2024-07-31. Review status: criteria provided, single submitter. Criteria: Quest Diagnostics criteria. Collection method: clinical testing. Allele origin: unknown.
Comment: The FANCM c.2457G>T (p.Lys819Asn) variant has not been reported in individuals with FANCM-related conditions in the published literature. The frequency of this variant in the general population, 0.000004 (1/250370 chromosomes (Genome Aggregation Database)), is uninformative in the assessment of its pathogenicity. Analysis of this variant using bioinformatics tools for the prediction of the effect of amino acid changes on protein structure and function yielded predictions that this variant is benign. Based on the available information, we are unable to determine the clinical significance of this variant.

Labcorp Genetics (formerly Invitae), Labcorp
Classification: Uncertain significance for Fanconi anemia. Last evaluated: 2024-02-26. Review status: criteria provided, single submitter. Criteria: Invitae Variant Classification Sherloc (09022015). Collection method: clinical testing. Allele origin: germline.
Comment: This sequence change replaces lysine, which is basic and polar, with asparagine, which is neutral and polar, at codon 819 of the FANCM protein (p.Lys819Asn). This variant is present in population databases (rs145592211, gnomAD 0.002%). This variant has not been reported in the literature in individuals affected with FANCM-related conditions. ClinVar contains an entry for this variant (Variation ID: 957149). An algorithm developed to predict the effect of missense changes on protein structure and function (PolyPhen-2) suggests that this variant is likely to be tolerated. In summary, the available evidence is currently insufficient to determine the role of this variant in disease. Therefore, it has been classified as a Variant of Uncertain Significance.

NM_020937.4(FANCM):c.2457G>T (p.Lys819Asn)

Gene: FANCM (FA complementation group M; plus strand). Cytogenetic location: 14q21.2.
Variant type: single nucleotide variant.
Coding change: c.2457G>T on transcript NM_020937.4 (MANE Select); coding-DNA position 2457, G replaced by T.
Protein change: p.Lys819Asn; replaces lysine 819 with asparagine.
Molecular consequence: missense variant.
Genome position (GRCh38, 1-based): chr14:45,175,211, G>T. VCF-style: chr14-45175211-G-T. GRCh37 (hg19) VCF-style: chr14-45644414-G-T.
Other names: c.2457G>T (NM_020937.3); c.2379G>T, p.Lys793Asn (NM_001308133.2); short protein forms K793N, K819N.
Identifiers: ClinVar variation 957149 (VCV000957149.9), dbSNP rs145592211, ClinGen allele CA7169355.